The following is an entry in ClinVar:

NM_005529.7(HSPG2):c.101T>C (p.Leu34Pro)

Gene: HSPG2 (heparan sulfate proteoglycan 2; minus strand). Cytogenetic location: 1p36.12.
Variant type: single nucleotide variant.
Coding change: c.101T>C on transcript NM_005529.7 (MANE Select); coding-DNA position 101, T replaced by C.
Protein change: p.Leu34Pro; replaces leucine 34 with proline.
Molecular consequence: missense variant.
Genome position (GRCh38, 1-based): chr1:21,896,273, A>G on the plus strand (T>C on the coding strand, the complement: HSPG2 is on the minus strand). VCF-style: chr1-21896273-A-G. GRCh37 (hg19) VCF-style: chr1-22222766-A-G.
Other names: c.101T>C, p.Leu34Pro (NM_001291860.2); short protein forms L34P.
Identifiers: ClinVar variation 3527020 (VCV003527020.2).

ClinVar aggregate classification (germline): Uncertain significance. Review status: criteria provided, multiple submitters, no conflicts (2 of 4 stars). 2 submissions from 2 submitters: Uncertain significance (2). Last evaluated 2025-09-13.

Conditions:
Inborn genetic diseases. Identifiers: MedGen C0950123, MeSH D030342.

gnomAD v4.1: 23 of 1,613,796 alleles (0.0014%); highest among the groups gnomAD compares: Non-Finnish European, 0.0019%; no homozygotes.

Submissions (2):

Labcorp Genetics (formerly Invitae), Labcorp
Classification: Uncertain significance. Last evaluated: 2025-09-13. Review status: criteria provided, single submitter. Criteria: Invitae Variant Classification Sherloc (09022015). Collection method: clinical testing. Allele origin: germline.
Comment: This sequence change replaces leucine, which is neutral and non-polar, with proline, which is neutral and non-polar, at codon 34 of the HSPG2 protein (p.Leu34Pro). This variant is present in population databases (rs371633219, gnomAD 0.002%). This variant has not been reported in the literature in individuals affected with HSPG2-related conditions. ClinVar contains an entry for this variant (Variation ID: 3527020). An algorithm developed to predict the effect of missense changes on protein structure and function (PolyPhen-2) suggests that this variant is likely to be disruptive. In summary, the available evidence is currently insufficient to determine the role of this variant in disease. Therefore, it has been classified as a Variant of Uncertain Significance.

Ambry Genetics
Classification: Uncertain significance for Inborn genetic diseases. Last evaluated: 2024-09-10. Review status: criteria provided, single submitter. Criteria: Ambry Variant Classification Scheme 2023. Collection method: clinical testing. Allele origin: germline.